The following is an entry in ClinVar:

NM_004380.3(CREBBP):c.2283+1G>A

Gene: CREBBP (CREB binding lysine acetyltransferase; minus strand). Cytogenetic location: 16p13.3.
Variant type: single nucleotide variant.
Coding change: c.2283+1G>A on transcript NM_004380.3 (MANE Select); the canonical splice donor site of the intron after coding-DNA position 2283, G replaced by A.
Molecular consequence: splice donor variant.
Genome position (GRCh38, 1-based): chr16:3,774,568, C>T on the plus strand (G>A on the coding strand, the complement: CREBBP is on the minus strand). VCF-style: chr16-3774568-C-T. GRCh37 (hg19) VCF-style: chr16-3824569-C-T.
Other names: c.2169+1G>A (NM_001079846.1).
Identifiers: ClinVar variation 4530120 (VCV004530120.1).
Genomic context (GRCh38, chr16:3,774,568, plus strand): 5'-TTAGATAATGTTCCATGTGAGAGGGAGGGCTATCTGCAGCACAGCGAAAGAGAACACTTA[C>T]CCCTGGCACTGAGCCCATGCTGTTCATCTGGACAGAGTGGTTCATTGGGGAGGCTGCACG-3'

ClinVar aggregate classification (somatic clinical impact): Tier II - Potential (1 of 4 stars; one submission).

Conditions:
Medulloblastoma WNT activated. Identifiers: MedGen C4331965, MONDO:0850196.

Submission:

Institute for Genomic Medicine (IGM) Clinical Laboratory, Nationwide Children's Hospital
Classification: Tier II - Potential for Medulloblastoma WNT activated. Assertion type: diagnostic. Clinical significance: supports diagnosis. Last evaluated: 2025-10-29. Review status: criteria provided, single submitter. Criteria: AMP/ASCO/CAP Guidelines, 2017. Collection method: clinical testing. Allele origin: somatic. Affected: yes.
Comment: Variant has Tier II (potential) clinical significance as a diagnostic inclusion criterion in medulloblastoma WNT activated, based on the following evidence: 1) Documented in one or more cancer databases (e.g., St. Jude Pecan, COSMIC, CIViC, OncoKB). 2) Information in the literature supports potential biologic effect of variant. 3) Diagnostic significance based on multiple small studies (Evidence Level C; PMIDs: 22722829, 28726821, 24710217).

Literature cited by the submitters: PubMed 22722829; PubMed 28726821; PubMed 24710217.